The following is an entry in ClinVar:

NM_001374828.1(ARID1B):c.404C>T (p.Ser135Leu)

Genes: ARID1B (AT-rich interaction domain 1B; plus strand), LOC115308161 (uncharacterized LOC115308161; minus strand), LOC129997524 (ATAC-STARR-seq lymphoblastoid silent region 17711; plus strand). Cytogenetic location: 6q25.3.
Variant type: single nucleotide variant.
Coding change: c.404C>T on transcript NM_001374828.1 (MANE Select); coding-DNA position 404, C replaced by T.
Protein change: p.Ser135Leu; replaces serine 135 with leucine.
Molecular consequence: missense variant.
Genome position (GRCh38, 1-based): chr6:156,778,084, C>T. VCF-style: chr6-156778084-C-T. GRCh37 (hg19) VCF-style: chr6-157099218-C-T.
Other names: c.404C>T, p.Ser135Leu (NM_001371656.1, NM_001374820.1, NM_017519.3); short protein forms S135L.
Identifiers: ClinVar variation 3633981 (VCV003633981.2).

ClinVar aggregate classification (germline): Uncertain significance (1 of 4 stars; one submission).

gnomAD v4.1: 2 of 1,540,036 alleles (0.00013%); highest among the groups gnomAD compares: South Asian, 0.0012%; no homozygotes.

Submission:

Labcorp Genetics (formerly Invitae), Labcorp
Classification: Uncertain significance. Last evaluated: 2024-02-22. Review status: criteria provided, single submitter. Criteria: Invitae Variant Classification Sherloc (09022015). Collection method: clinical testing. Allele origin: germline.
Comment: This sequence change replaces serine, which is neutral and polar, with leucine, which is neutral and non-polar, at codon 52 of the ARID1B protein (p.Ser52Leu). This variant is not present in population databases (gnomAD no frequency). This variant has not been reported in the literature in individuals affected with ARID1B-related conditions. Advanced modeling of protein sequence and biophysical properties (such as structural, functional, and spatial information, amino acid conservation, physicochemical variation, residue mobility, and thermodynamic stability) performed at Invitae indicates that this missense variant is not expected to disrupt ARID1B protein function with a negative predictive value of 95%. In summary, the available evidence is currently insufficient to determine the role of this variant in disease. Therefore, it has been classified as a Variant of Uncertain Significance.